The following is an entry in ClinVar:

NM_004560.4(ROR2):c.1045C>G (p.His349Asp)

Gene: ROR2 (receptor tyrosine kinase like orphan receptor 2; minus strand). Cytogenetic location: 9q22.31.
Variant type: single nucleotide variant.
Coding change: c.1045C>G on transcript NM_004560.4 (MANE Select); coding-DNA position 1045, C replaced by G.
Protein change: p.His349Asp; replaces histidine 349 with aspartic acid.
Molecular consequence: missense variant.
Genome position (GRCh38, 1-based): chr9:91,731,048, G>C on the plus strand (C>G on the coding strand, the complement: ROR2 is on the minus strand). VCF-style: chr9-91731048-G-C. GRCh37 (hg19) VCF-style: chr9-94493330-G-C.
Other names: c.1045C>G, p.His349Asp (NM_001318204.2); short protein forms H349D.
Identifiers: ClinVar variation 159810 (VCV000159810.22), dbSNP rs55983376, ClinGen allele CA173314.

ClinVar aggregate classification (germline): Benign. Review status: criteria provided, multiple submitters, no conflicts (2 of 4 stars). 7 submissions from 6 submitters: Benign (7). Last evaluated 2026-02-02.

Conditions:
Brachydactyly type B1 (BDB1). Identifiers: Orphanet 572385, Orphanet 93383, MedGen C1862112, MONDO:0007220, OMIM 113000.
Autosomal recessive Robinow syndrome (RRS1). Also called: ROR2-Related Robinow Syndrome; COSTOVERTEBRAL SEGMENTATION DEFECT WITH MESOMELIA; COVESDEM SYNDROME; ROBINOW SYNDROME, AUTOSOMAL RECESSIVE 1. Identifiers: Orphanet 1507, Orphanet 97360, MedGen C5399974, MONDO:0009999, OMIM 268310.

Allele frequency attached by ClinVar (database versions not stated): ExAC 0.00610; gnomAD 0.01689; 1000 Genomes Project 0.01817; ESP Exome Variant Server 0.01976; TOPMed 0.01995; 1000 Genomes Project 30x 0.02014.
gnomAD v4.1: 5,828 of 1,614,150 alleles (0.36%); highest among the groups gnomAD compares: African/African-American, 6.6%; 189 homozygotes.

Submissions (7):

Labcorp Genetics (formerly Invitae), Labcorp
Classification: Benign. Last evaluated: 2026-02-02. Review status: criteria provided, single submitter. Criteria: Invitae Variant Classification Sherloc (09022015). Collection method: clinical testing. Allele origin: germline.

GeneDx
Classification: Benign. Last evaluated: 2019-11-22. Review status: criteria provided, single submitter. Criteria: GeneDx Variant Classification Process June 2021. Collection method: clinical testing. Allele origin: germline. Affected: yes.

Illumina Laboratory Services, Illumina
Classification: Benign for Autosomal recessive Robinow syndrome. Last evaluated: 2018-01-13. Review status: criteria provided, single submitter. Criteria: ICSL Variant Classification Criteria 13 December 2019. Collection method: clinical testing. Allele origin: germline.
Comment: This variant was observed in the ICSL laboratory as part of a predisposition screen in an ostensibly healthy population. It had not been previously curated by ICSL or reported in the Human Gene Mutation Database (HGMD: prior to June 1st, 2018), and was therefore a candidate for classification through an automated scoring system. Utilizing variant allele frequency, disease prevalence and penetrance estimates, and inheritance mode, an automated score was calculated to assess if this variant is too frequent to cause the disease. Based on the score and internal cut-off values, a variant classified as benign is not then subjected to further curation. The score for this variant resulted in a classification of benign for this disease.

Illumina Laboratory Services, Illumina
Classification: Benign for Brachydactyly type B1. Last evaluated: 2018-01-13. Review status: criteria provided, single submitter. Criteria: ICSL Variant Classification Criteria 13 December 2019. Collection method: clinical testing. Allele origin: germline.
Comment: the same text as in the submission from Illumina Laboratory Services, Illumina above.

Center for Pediatric Genomic Medicine, Children's Mercy Hospital and Clinics
Classification: Benign. Last evaluated: 2015-10-28. Review status: criteria provided, single submitter. Criteria: ACMG Guidelines, 2015. Collection method: clinical testing. Allele origin: germline.

Genetic Services Laboratory, University of Chicago
Classification: Benign. Last evaluated: 2013-02-08. Review status: criteria provided, single submitter. Criteria: ACMG Guidelines, 2007. Collection method: clinical testing. Allele origin: germline. Inheritance: Autosomal recessive inheritance.

Breakthrough Genomics
Classification: Benign. Review status: criteria provided, single submitter. Criteria: ACMG Guidelines, 2015. Collection method: not provided. Allele origin: germline. Inheritance: Autosomal recessive inheritance. Affected: yes.